The following is an entry in ClinVar:

NM_002067.5(GNA11):c.605+6G>T

Gene: GNA11 (G protein subunit alpha 11; plus strand). Cytogenetic location: 19p13.3.
Variant type: single nucleotide variant.
Coding change: c.605+6G>T on transcript NM_002067.5 (MANE Select); 6 bases into the intron after coding-DNA position 605, G replaced by T.
Molecular consequence: intron variant.
Genome position (GRCh38, 1-based): chr19:3,115,078, G>T. VCF-style: chr19-3115078-G-T. GRCh37 (hg19) VCF-style: chr19-3115076-G-T.
Identifiers: ClinVar variation 4708414 (VCV004708414.1).

ClinVar aggregate classification (germline): Uncertain significance (1 of 4 stars; one submission).

gnomAD v4.1: 31 of 1,605,954 alleles (0.0019%); highest among the groups gnomAD compares: Middle Eastern, 0.5%; 2 homozygotes.

Submission:

Labcorp Genetics (formerly Invitae), Labcorp
Classification: Uncertain significance. Last evaluated: 2025-07-06. Review status: criteria provided, single submitter. Criteria: Invitae Variant Classification Sherloc (09022015). Collection method: clinical testing. Allele origin: germline.
Comment: This sequence change falls in intron 4 of the GNA11 gene. It does not directly change the encoded amino acid sequence of the GNA11 protein. It affects a nucleotide within the consensus splice site. This variant is not present in population databases (gnomAD no frequency). This variant has not been reported in the literature in individuals affected with GNA11-related conditions. Variants that disrupt the consensus splice site are a relatively common cause of aberrant splicing (PMID: 17576681, 9536098). Algorithms developed to predict the effect of sequence changes on RNA splicing suggest that this variant is not likely to affect RNA splicing. In summary, the available evidence is currently insufficient to determine the role of this variant in disease. Therefore, it has been classified as a Variant of Uncertain Significance.

Literature cited by the submitters: PubMed 17576681; PubMed 9536098.